The following is an entry in ClinVar:

ClinVar aggregate classification (germline): Likely benign. Review status: criteria provided, multiple submitters, no conflicts (2 of 4 stars). 3 submissions from 3 submitters: Likely benign (3). Last evaluated 2026-08-01.

Conditions:
Hereditary cancer-predisposing syndrome. Also called: Tumor predisposition; Hereditary Cancer Syndrome; Hereditary neoplastic syndrome; Neoplastic Syndromes, Hereditary. Identifiers: Orphanet 140162, MedGen C0027672, MeSH D009386, MONDO:0015356.
Tietz syndrome (TADS). Also called: ALBINISM-DEAFNESS OF TIETZ; HYPOPIGMENTATION/DEAFNESS OF TIETZ; TIETZ ALBINISM-DEAFNESS SYNDROME. Identifiers: Orphanet 42665, MedGen C0391816, MONDO:0007077, OMIM 103500.
Waardenburg syndrome type 2A (WS2A). Also called: WAARDENBURG SYNDROME WITHOUT DYSTOPIA CANTHORUM. Identifiers: Orphanet 3440, MedGen C1860339, MONDO:0008671, OMIM 193510.
Melanoma, cutaneous malignant, susceptibility to, 8. Also called: MELANOMA AND RENAL CELL CARCINOMA, SUSCEPTIBILITY TO; Cutaneous malignant melanoma 8. Identifiers: Orphanet 293822, MedGen C3152204, MONDO:0013759, OMIM 614456.

Submissions (3):

CeGaT Center for Human Genetics Tuebingen
Classification: Likely benign. Last evaluated: 2026-08-01. Review status: criteria provided, single submitter. Criteria: CeGaT Center For Human Genetics Tuebingen Variant Classification Criteria Version 2. Collection method: clinical testing. Allele origin: germline. Affected: yes. Observed: 1 variant allele.
Comment: MITF: PM2:Supporting, BP4, BP7

Ambry Genetics
Classification: Likely benign for Hereditary cancer-predisposing syndrome. Last evaluated: 2025-05-23. Review status: criteria provided, single submitter. Criteria: Ambry Variant Classification Scheme 2023. Collection method: clinical testing. Allele origin: germline.

Labcorp Genetics (formerly Invitae), Labcorp
Classification: Likely benign for Melanoma, cutaneous malignant, susceptibility to, 8; Waardenburg syndrome type 2A; Tietz syndrome. Last evaluated: 2024-04-24. Review status: criteria provided, single submitter. Criteria: Invitae Variant Classification Sherloc (09022015). Collection method: clinical testing. Allele origin: germline.

NM_001354604.2(MITF):c.819A>G (p.Pro273=)

Gene: MITF (melanocyte inducing transcription factor; plus strand). Cytogenetic location: 3p13.
Variant type: single nucleotide variant.
Coding change: c.819A>G on transcript NM_001354604.2 (MANE Select); coding-DNA position 819, A replaced by G.
Protein change: p.Pro273=; no amino-acid change (proline 273 retained).
Molecular consequence: synonymous variant.
Genome position (GRCh38, 1-based): chr3:69,949,107, A>G. VCF-style: chr3-69949107-A-G. GRCh37 (hg19) VCF-style: chr3-69998258-A-G.
Other names: c.498A>G, p.Pro166= (NM_000248.4, NM_198158.3); c.663A>G, p.Pro221= (NM_001184967.2, NM_001354608.2); c.816A>G, p.Pro272= (NM_001354605.2, NM_001354606.2, NM_006722.3); c.768A>G, p.Pro256= (NM_001354607.2); c.819A>G, p.Pro273= (NM_198159.3); c.771A>G, p.Pro257= (NM_198177.3); c.330A>G, p.Pro110= (NM_198178.3).
Identifiers: ClinVar variation 3754584 (VCV003754584.4).